The following is an entry in ClinVar:

NM_020778.5(ALPK3):c.3786C>G (p.Ala1262=)

Gene: ALPK3 (alpha kinase 3; plus strand). Cytogenetic location: 15q25.3.
Variant type: single nucleotide variant.
Coding change: c.3786C>G on transcript NM_020778.5 (MANE Select); coding-DNA position 3786, C replaced by G.
Protein change: p.Ala1262=; no amino-acid change (alanine 1262 retained).
Molecular consequence: synonymous variant.
Genome position (GRCh38, 1-based): chr15:84,858,524, C>G. VCF-style: chr15-84858524-C-G. GRCh37 (hg19) VCF-style: chr15-85401755-C-G.
Identifiers: ClinVar variation 510835 (VCV000510835.14), dbSNP rs202162264, ClinGen allele CA7709716.

ClinVar aggregate classification (germline): Likely benign. Review status: criteria provided, multiple submitters, no conflicts (2 of 4 stars). 6 submissions from 6 submitters: Likely benign (6). Last evaluated 2026-01-28.

Conditions:
ALPK3-related disorder. Also called: ALPK3-related condition.
Cardiovascular phenotype. Identifiers: MedGen CN230736.

Allele frequency attached by ClinVar (database versions not stated): gnomAD exomes 0.00004 and 0.00009; ExAC 0.00021; TOPMed 0.00035; 1000 Genomes Project 0.00040; gnomAD 0.00040 and 0.00043; 1000 Genomes Project 30x 0.00062; ESP Exome Variant Server 0.00063.
gnomAD v4.1: 112 of 1,588,240 alleles (0.0071%); highest among the groups gnomAD compares: African/African-American, 0.14%; no homozygotes.

Submissions (6):

Labcorp Genetics (formerly Invitae), Labcorp
Classification: Likely benign. Last evaluated: 2026-01-28. Review status: criteria provided, single submitter. Criteria: Invitae Variant Classification Sherloc (09022015). Collection method: clinical testing. Allele origin: germline.

PreventionGenetics, part of Exact Sciences
Classification: Likely benign for ALPK3-related condition. Last evaluated: 2025-08-12. Review status: criteria provided, single submitter. Criteria: ACMG Guidelines, 2015. Collection method: clinical testing. Allele origin: germline.
Comment: This variant is classified as likely benign based on ACMG/AMP sequence variant interpretation guidelines (Richards et al. 2015 PMID: 25741868, with internal and published modifications).

Women's Health and Genetics/Laboratory Corporation of America, LabCorp
Classification: Likely benign. Last evaluated: 2024-12-20. Review status: criteria provided, single submitter. Criteria: LabCorp Variant Classification Summary - May 2015. Collection method: clinical testing. Allele origin: germline.

Blueprint Genetics
Classification: Likely benign. Last evaluated: 2023-03-27. Review status: criteria provided, single submitter. Criteria: ACMG Guidelines, 2015. Collection method: clinical testing. Allele origin: germline.

Ambry Genetics
Classification: Likely benign for Cardiovascular phenotype. Last evaluated: 2019-07-10. Review status: criteria provided, single submitter. Criteria: Ambry Variant Classification Scheme 2023. Collection method: clinical testing. Allele origin: germline.

GeneDx
Classification: Likely benign. Last evaluated: 2018-01-22. Review status: criteria provided, single submitter. Criteria: GeneDx Variant Classification (06012015). Collection method: clinical testing. Allele origin: germline. Affected: yes.
Comment: This variant is considered likely benign or benign based on one or more of the following criteria: it is a conservative change, it occurs at a poorly conserved position in the protein, it is predicted to be benign by multiple in silico algorithms, and/or has population frequency not consistent with disease.